The following is an entry in ClinVar:

ClinVar aggregate classification (germline): Likely benign (1 of 4 stars; one submission).

Submission:

CeGaT Center for Human Genetics Tuebingen
Classification: Likely benign. Last evaluated: 2025-05-01. Review status: criteria provided, single submitter. Criteria: CeGaT Center For Human Genetics Tuebingen Variant Classification Criteria Version 2. Collection method: clinical testing. Allele origin: germline. Affected: yes. Observed: 1 variant allele.
Comment: RAD51: BP4, BP7

NM_002875.5(RAD51):c.225+676A>G

Gene: RAD51 (RAD51 recombinase; plus strand). Cytogenetic location: 15q15.1.
Variant type: single nucleotide variant.
Coding change: c.225+676A>G on transcript NM_002875.5 (MANE Select); 676 bases into the intron after coding-DNA position 225, A replaced by G.
Molecular consequence: intron variant. On other transcripts: synonymous variant (2).
Genome position (GRCh38, 1-based): chr15:40,701,877, A>G. VCF-style: chr15-40701877-A-G. GRCh37 (hg19) VCF-style: chr15-40994075-A-G.
Other names: c.297A>G, p.Ser99= (NM_001164269.2, NM_133487.4); c.225+676A>G (NM_001164270.2).
Identifiers: ClinVar variation 3905200 (VCV003905200.10).